The following is an entry in ClinVar:

NC_000022.10:g.(?_29083875)_(30090801_?)del

Genes: HSCB (HscB mitochondrial iron-sulfur cluster cochaperone; plus strand), RFPL1 (ret finger protein like 1; plus strand), RFPL1S (RFPL1 antisense RNA 1; minus strand), RASL10A (RAS like family 10 member A; minus strand), ZNRF3 (zinc and ring finger 3; plus strand) and 14 more. Cytogenetic location: 22q12.1-12.2.
Variant type: Deletion.
Identifiers: ClinVar variation 832675 (VCV000832675.2).

ClinVar aggregate classification (germline): Pathogenic (1 of 4 stars; one submission).

Conditions:
Familial cancer of breast. Also called: BREAST CANCER, FAMILIAL; Hereditary breast cancer; hereditary breast carcinoma. Identifiers: Orphanet 227535, MedGen C0346153, MONDO:0016419, OMIM 114480. Disease mechanism: loss of function.

Submission:

Labcorp Genetics (formerly Invitae), Labcorp
Classification: Pathogenic for Hereditary Breast Carcinoma. Last evaluated: 2019-01-31. Review status: criteria provided, single submitter. Criteria: Invitae Variant Classification Sherloc (09022015). Collection method: clinical testing. Allele origin: germline.
Comment: A gross deletion of the genomic region encompassing the full coding sequence of the CHEK2 gene has been identified. The boundaries of this event are unknown as the deletion extends beyond the assayed region for this gene and therefore may encompass additional genes. While this variant has not been reported in the literature in individuals with CHEK2-related disease, similar loss of the entire CHEK2 coding sequence has been observed in several individuals affected with breast cancer (Invitae). Sub-genic deletions of CHEK2 have been reported in affected patients and are known to be pathogenic (PMID: 16551709, 24763289, 17085682). Therefore, deletions that fully encompass these regions are also expected to be pathogenic. Loss-of-function variants in CHEK2 are known to be pathogenic (PMID: 21876083, 24713400). For these reasons, this variant has been classified as Pathogenic.

Literature cited by the submitters: PubMed 24763289; PubMed 16551709; PubMed 17085682.